The following is an entry in ClinVar:

NM_001042750.2(STAG2):c.1534+9G>A

Gene: STAG2 (STAG2 cohesin complex component; plus strand). Cytogenetic location: Xq25.
Variant type: single nucleotide variant.
Coding change: c.1534+9G>A on transcript NM_001042750.2 (MANE Select); 9 bases into the intron after coding-DNA position 1534, G replaced by A.
Molecular consequence: intron variant.
Genome position (GRCh38, 1-based): chrX:124,061,350, G>A. VCF-style: chrX-124061350-G-A. GRCh37 (hg19) VCF-style: chrX-123195200-G-A.
Other names: c.1534+9G>A (NM_001042749.2, NM_001441077.1, NM_001375366.1 and 23 more transcripts).
Identifiers: ClinVar variation 4688695 (VCV004688695.1).

ClinVar aggregate classification (germline): Likely benign (1 of 4 stars; one submission).

gnomAD v4.1: 2 of 1,125,065 alleles (0.00018%); highest among the groups gnomAD compares: East Asian, 0.003%; no homozygotes.

Submission:

Women's Health and Genetics/Laboratory Corporation of America, LabCorp
Classification: Likely benign. Last evaluated: 2025-12-01. Review status: criteria provided, single submitter. Criteria: LabCorp Variant Classification Summary - May 2015. Collection method: clinical testing. Allele origin: germline.
Comment: Variant summary: STAG2 c.1534+9G>A alters a conserved nucleotide located at a position not widely known to affect splicing. Consensus agreement among computation tools predict no significant impact on normal splicing. However, these predictions have yet to be confirmed by functional studies. The variant allele was found at a frequency of 5.9e-06 in 170710 control chromosomes. The available data on variant occurrences in the general population are insufficient to allow any conclusion about variant significance. To our knowledge, no occurrence of c.1534+9G>A in individuals affected with STAG2-related conditions and no experimental evidence demonstrating its impact on protein function have been reported. No submitters have cited clinical-significance assessments for this variant to ClinVar. Based on the evidence outlined above, the variant was classified as likely benign.